The following is an entry in ClinVar:

NM_014991.6(WDFY3):c.349_350delinsGA (p.Ser117Asp)

Gene: WDFY3 (WD repeat and FYVE domain containing 3; minus strand). Cytogenetic location: 4q21.23.
Variant type: Indel.
Coding change: c.349_350delinsGA on transcript NM_014991.6 (MANE Select); coding-DNA positions 349 to 350, AG replaced by GA.
Protein change: p.Ser117Asp; replaces serine 117 with aspartic acid.
Molecular consequence: missense variant.
Genome position (GRCh38, 1-based): chr4:84,841,218-84,841,219, CT replaced by TC on the plus strand (AG replaced by GA on the coding strand, the reverse complement: WDFY3 is on the minus strand). VCF-style: chr4-84841218-CT-TC. GRCh37 (hg19) VCF-style: chr4-85762371-CT-TC.
Other names: short protein forms S117D.
Identifiers: ClinVar variation 2630397 (VCV002630397.2), dbSNP rs2535288963, ClinGen allele CA2695199388.

ClinVar aggregate classification (germline): Uncertain significance (1 of 4 stars; one submission).

Conditions:
WDFY3-related disorder.

Submission:

PreventionGenetics, part of Exact Sciences
Classification: Uncertain significance for WDFY3-related condition. Last evaluated: 2025-12-04. Review status: criteria provided, single submitter. Criteria: ACMG Guidelines, 2015. Collection method: clinical testing. Allele origin: germline.
Comment: The WDFY3 c.349_350delinsGA variant is predicted to result in an in-frame deletion and insertion. which is predicted to result in the amino acid substitution p.Ser117Asp. To our knowledge, this variant has not been reported in the literature or in a large population database (gnomAD), indicating this variant is rare. At this time, the clinical significance of this variant is uncertain due to the absence of conclusive functional and genetic evidence.